The following is an entry in ClinVar:

ClinVar aggregate classification (germline): Likely benign. Review status: criteria provided, multiple submitters, no conflicts (2 of 4 stars). 2 submissions from 2 submitters: Likely benign (2). Last evaluated 2024-09-12.

Conditions:
Hereditary cancer-predisposing syndrome. Also called: Tumor predisposition; Neoplastic Syndromes, Hereditary; Hereditary Cancer Syndrome; Hereditary neoplastic syndrome. Identifiers: Orphanet 140162, MedGen C0027672, MeSH D009386, MONDO:0015356.
Breast-ovarian cancer, familial, susceptibility to, 1 (BROVCA1). Also called: BRCA1 Hereditary Breast and Ovarian Cancer; OVARIAN CANCER, SUSCEPTIBILITY TO. Identifiers: Orphanet 145, MedGen C2676676, MONDO:0011450, OMIM 604370. Disease mechanism: loss of function.

Submissions (2):

Ambry Genetics
Classification: Likely benign for Hereditary cancer-predisposing syndrome. Last evaluated: 2024-09-12. Review status: criteria provided, single submitter. Criteria: Ambry Variant Classification Scheme 2023. Collection method: clinical testing. Allele origin: germline.

All of Us Research Program, National Institutes of Health
Classification: Likely benign for Breast-ovarian cancer, familial, susceptibility to, 1. Last evaluated: 2023-09-17. Review status: criteria provided, single submitter. Criteria: ACMG Guidelines, 2015. Collection method: clinical testing. Allele origin: germline. Inheritance: Autosomal dominant inheritance. Observed: 1 variant allele, 1 heterozygote.
Comment: This study involves interpretation of variants in research participants for the purpose of population health screening. Participant phenotype was not available at the time of variant classification. Additional details can be found in publication PMID: 35346344, PMCID: PMC8962531

NM_007294.4(BRCA1):c.1581G>A (p.Lys527=)

Gene: BRCA1 (BRCA1 DNA repair associated; minus strand). Cytogenetic location: 17q21.31.
Variant type: single nucleotide variant.
Coding change: c.1581G>A on transcript NM_007294.4 (MANE Select); coding-DNA position 1581, G replaced by A.
Protein change: p.Lys527=; no amino-acid change (lysine 527 retained).
Molecular consequence: synonymous variant. On other transcripts: intron variant (137).
Genome position (GRCh38, 1-based): chr17:43,093,950, C>T on the plus strand (G>A on the coding strand, the complement: BRCA1 is on the minus strand). VCF-style: chr17-43093950-C-T. GRCh37 (hg19) VCF-style: chr17-41245967-C-T.
Other names: c.661+794G>A (NM_001408432.1, NM_001408450.1, NM_001408434.1 and 6 more transcripts); c.667+1896G>A (NM_001408431.1, NM_001408424.1, NM_001408421.1); c.784+794G>A (NM_001408407.1, NM_001408402.1, NM_001408473.1 and 13 more transcripts); c.664+794G>A (NM_001408443.1, NM_001408439.1, NM_001408425.1 and 12 more transcripts); c.670+1896G>A (NM_001408419.1, NM_001408422.1, NM_001408418.1 and 2 more transcripts); c.787+794G>A (NM_001408403.1, NM_001407983.1, NM_001407975.1 and 19 more transcripts); c.790+791G>A (NM_001408406.1); c.646+794G>A (NM_001408456.1, NM_001408410.1, NM_001408458.1 and 11 more transcripts); and 40 more.
Identifiers: ClinVar variation 3073400 (VCV003073400.2), dbSNP rs80357493, ClinGen allele CA500233386.